The following is an entry in ClinVar:

NM_020686.6(ABAT):c.1128C>G (p.Tyr376Ter)

Gene: ABAT (4-aminobutyrate aminotransferase; plus strand). Cytogenetic location: 16p13.2.
Variant type: single nucleotide variant.
Coding change: c.1128C>G on transcript NM_020686.6 (MANE Select); coding-DNA position 1128, C replaced by G.
Protein change: p.Tyr376Ter; replaces tyrosine 376 with a stop codon.
Molecular consequence: nonsense.
Genome position (GRCh38, 1-based): chr16:8,776,349, C>G. VCF-style: chr16-8776349-C-G. GRCh37 (hg19) VCF-style: chr16-8870206-C-G.
Other names: c.1128C>G, p.Tyr376Ter (NM_000663.5, NM_001127448.2, NM_001386600.1 and 6 more transcripts); c.1089C>G, p.Tyr363Ter (NM_001386605.1); c.1065C>G, p.Tyr355Ter (NM_001386606.1, NM_001386607.1); c.1035C>G, p.Tyr345Ter (NM_001386608.1); c.993C>G, p.Tyr331Ter (NM_001386610.1, NM_001386611.1); c.930C>G, p.Tyr310Ter (NM_001386612.1, NM_001386613.1); c.882C>G, p.Tyr294Ter (NM_001386614.1); c.1224C>G, p.Tyr408Ter (NM_001386615.1); short protein forms Y331*, Y355*, Y294*, Y310*, Y363*, Y345*, Y376*, Y408*.
Identifiers: ClinVar variation 2004622 (VCV002004622.5), dbSNP rs2549115450, ClinGen allele CA394690143.
Genomic context (GRCh38, chr16:8,776,349, plus strand): 5'-CTCCTGCAGGGTGTGCATGTGTGTGAAGCCTTCCAACACCCGTTCCTCATTCCAGCCCTA[C>G]CGGATCTTCAACACCTGGCTGGGGGACCCGTCCAAGAACCTGTTGCTGGCTGAGGTCATC-3'

ClinVar aggregate classification (germline): Pathogenic/Likely pathogenic. Review status: criteria provided, multiple submitters, no conflicts (2 of 4 stars). 2 submissions from 2 submitters: Pathogenic (1); Likely pathogenic (1). Last evaluated 2025-07-04.

Conditions:
Gamma-aminobutyric acid transaminase deficiency (GABATD). Also called: GABA aminotransaminase deficiency; GABA transaminase deficiency; Gamma aminobutyrate transaminase deficiency; 4 alpha aminobutyrate transaminase deficiency. Identifiers: Orphanet 2066, MedGen C0342708, MONDO:0013166, OMIM 613163.

Submissions (2):

Laboratorio de Genetica e Diagnostico Molecular, Hospital Israelita Albert Einstein
Classification: Likely pathogenic for Gamma-aminobutyric acid transaminase deficiency. Last evaluated: 2025-07-04. Review status: criteria provided, single submitter. Criteria: ACMG Guidelines, 2015. Collection method: clinical testing. Allele origin: germline. Affected: yes.
Comment: ACMG classification criteria: PVS1 very strong, PM2 supporting

Labcorp Genetics (formerly Invitae), Labcorp
Classification: Pathogenic for Gamma-aminobutyric acid transaminase deficiency. Last evaluated: 2022-06-30. Review status: criteria provided, single submitter. Criteria: Invitae Variant Classification Sherloc (09022015). Collection method: clinical testing. Allele origin: germline.
Comment: For these reasons, this variant has been classified as Pathogenic. This variant has not been reported in the literature in individuals affected with ABAT-related conditions. This variant is not present in population databases (gnomAD no frequency). This sequence change creates a premature translational stop signal (p.Tyr376*) in the ABAT gene. It is expected to result in an absent or disrupted protein product. Loss-of-function variants in ABAT are known to be pathogenic (PMID: 20052547, 25738457).

Literature cited by the submitters: PubMed 20052547 (cited by Labcorp Genetics (formerly Invitae), Labcorp); PubMed 25738457 (cited by Labcorp Genetics (formerly Invitae), Labcorp).